The following is an entry in ClinVar:

NM_080732.4(EGLN2):c.1183G>A (p.Gly395Ser)

Genes: EGLN2 (egl-9 family hypoxia inducible factor 2; plus strand), RAB4B-EGLN2 (RAB4B-EGLN2 readthrough (NMD candidate); plus strand). Cytogenetic location: 19q13.2.
Variant type: single nucleotide variant.
Coding change: c.1183G>A on transcript NM_080732.4 (MANE Select); coding-DNA position 1183, G replaced by A.
Protein change: p.Gly395Ser; replaces glycine 395 with serine.
Molecular consequence: missense variant. On other transcripts: non-coding transcript variant (1).
Genome position (GRCh38, 1-based): chr19:40,807,823, G>A. VCF-style: chr19-40807823-G-A. GRCh37 (hg19) VCF-style: chr19-41313728-G-A.
Other names: c.1183G>A, p.Gly395Ser (NM_053046.4); short protein forms G395S.
Identifiers: ClinVar variation 3228980 (VCV003228980.1), dbSNP rs2516010701, ClinGen allele CA405956888.

ClinVar aggregate classification (germline): Uncertain significance (1 of 4 stars; one submission).

Submission:

Ambry Genetics
Classification: Uncertain significance. Last evaluated: 2023-12-14. Review status: criteria provided, single submitter. Criteria: Ambry Variant Classification Scheme 2023. Collection method: clinical testing. Allele origin: germline.
Comment: The p.G395S variant (also known as c.1183G>A), located in coding exon 5 of the EGLN2 gene, results from a G to A substitution at nucleotide position 1183. The glycine at codon 395 is replaced by serine, an amino acid with similar properties. This amino acid position is conserved. In addition, this alteration is predicted to be tolerated by in silico analysis. Since supporting evidence is limited at this time, the clinical significance of this alteration remains unclear.